The following continues an entry in ClinVar:

NM_003060.4(SLC22A5):c.1400C>G (p.Ser467Cys)

Gene: SLC22A5. ClinVar aggregate classification (germline): Pathogenic/Likely pathogenic. Pathogenic (19); Likely pathogenic (1).

Submissions 9 to 21 of 21:

Molecular Genetics, Royal Melbourne Hospital
Classification: Pathogenic for Renal carnitine transport defect. Last evaluated: 2024-02-05. Review status: criteria provided, single submitter. Criteria: ACMG Guidelines, 2015. Collection method: clinical testing. Allele origin: germline. Inheritance: Autosomal recessive inheritance. Affected: no.
Comment: This sequence change in SLC22A5 is predicted to replace serine with serine at codon cysteine, p.(Ser467Cys). The serine residue is highly conserved (100 vertebrates, Multiz Alignments), and is located in the transmembrane major facilitator superfamily (MFS) profile domain. There is a large physicochemical difference between serine and cysteine. The highest population minor allele frequency in the population database gnomAD v4.0 is 0.2% (98/44,876 alleles) in the East Asian population. This variant has been detected in the homozygous and compound heterozygous state in multiple individuals with a diagnosis of systemic carnitine deficiency (SCD) mainly ascertained through newborn screening and asymptomatic (PMID: 20574985, 25846890, 21922592, 28841266, 37628339). The variant segregates with SCD in at least one family (PMID: 25846890). In vitro functional assays with limited validation in mammalian cell lines demonstrate the variant significantly reduces carnitine uptake (PMID: 10545605, 28841266). Computational evidence predicts a deleterious effect for the missense substitution (REVEL = 0.756). Based on the classification scheme RMH Modified ACMG/AMP Guidelines v1.6.1, this variant is classified as PATHOGENIC. Following criteria are met: PM3_VeryStrong, PP1, PP3, PS3_Supporting.

Blueprint Genetics
Classification: Pathogenic for SLC22A5-related disorders. Last evaluated: 2023-08-29. Review status: criteria provided, single submitter. Criteria: ACMG Guidelines, 2015. Collection method: clinical testing. Allele origin: germline. Affected: yes. Observed: 5 variant alleles.

Revvity Omics, Revvity
Classification: Pathogenic for Renal carnitine transport defect. Last evaluated: 2023-08-17. Review status: criteria provided, single submitter. Criteria: ACMG Guidelines, 2015. Collection method: clinical testing. Allele origin: germline.

Clinical Genetics Laboratory, Skane University Hospital Lund
Classification: Pathogenic. Last evaluated: 2022-05-27. Review status: criteria provided, single submitter. Criteria: ACMG Guidelines, 2015. Collection method: clinical testing. Allele origin: germline. Affected: yes.

GeneDx
Classification: Pathogenic. Last evaluated: 2022-05-19. Review status: criteria provided, single submitter. Criteria: GeneDx Variant Classification Process June 2021. Collection method: clinical testing. Allele origin: germline. Affected: yes.
Comment: In vitro expression studies in HEK cells indicate that S467C has significantly reduced L-carnitine uptake relative to a normal control (Koizumi et al., 1999); In silico analysis supports that this missense variant has a deleterious effect on protein structure/function; This variant is associated with the following publications: (PMID: 28186590, 20208395, 25377941, 26589311, 25846890, 23090741, 12183691, 10545605, 26828774, 27317853, 29581464, 28841266, 20074989, 20574985, 29132460, 30885166, 30863740, 31637888, 32595695, 33757571, 33560599, 33181153)

Women's Health and Genetics/Laboratory Corporation of America, LabCorp
Classification: Pathogenic for Renal carnitine transport defect. Last evaluated: 2022-01-19. Review status: criteria provided, single submitter. Criteria: LabCorp Variant Classification Summary - May 2015. Collection method: clinical testing. Allele origin: germline.
Comment: Variant summary: SLC22A5 c.1400C>G (p.Ser467Cys) results in a non-conservative amino acid change located in the major facilitator superfamily domain of the encoded protein sequence. Five of five in-silico tools predict a damaging effect of the variant on protein function. The variant allele was found at a frequency of 0.00017 in 251468 control chromosomes. This frequency is not significantly higher than expected for a pathogenic variant in SLC22A5 causing Systemic Primary Carnitine Deficiency (0.00017 vs 0.0046), allowing no conclusion about variant significance. c.1400C>G is a common pathogenic mutation found in individuals with primary carnitine deficiency or carnitine uptake defect (ie. Koizumi_1999, Lin_2020). In vitro functional analysis revealed the variant to reduce L-carnitine uptake to 11% of the normal control (Koizumi_2020). Eight clinical diagnostic laboratories have submitted clinical-significance assessments for this variant to ClinVar after 2014 without evidence for independent evaluation. All laboratories classified the variant as pathogenic/likely pathogenic. Based on the evidence outlined above, the variant was classified as pathogenic.

Genome-Nilou Lab
Classification: Likely pathogenic for Renal carnitine transport defect. Last evaluated: 2021-07-15. Review status: criteria provided, single submitter. Criteria: ACMG Guidelines, 2015. Collection method: clinical testing. Allele origin: germline. Affected: no.

Genetics and Genomic Medicine Centre, NeuroGen Healthcare, NeuroGen Healthcare
Classification: Pathogenic for Renal carnitine transport defect. Last evaluated: 2020-10-05. Review status: criteria provided, single submitter. Criteria: Submitter's publication. Collection method: clinical testing. Allele origin: unknown. Affected: no.

CeGaT Center for Human Genetics Tuebingen
Classification: Pathogenic. Last evaluated: 2019-02-01. Review status: criteria provided, single submitter. Criteria: CeGaT Center For Human Genetics Tuebingen Variant Classification Criteria Version 2. Collection method: clinical testing. Allele origin: germline. Affected: yes. Observed: 2 variant alleles.

ARUP Laboratories, Molecular Genetics and Genomics, ARUP Laboratories
Classification: Pathogenic. Last evaluated: 2018-05-15. Review status: criteria provided, single submitter. Criteria: ARUP Molecular Germline Variant Investigation Process. Collection method: clinical testing. Allele origin: germline.
Comment: The SLC22A5 c.1400C>G; p.Ser467Cys variant (rs60376624) has been described in the homozygous and compound heterozygous states in individuals affected with primary carnitine deficiency or carnitine uptake deficiency (Koizumi 1999, Li 2010, Rose 2012, Yoon 2012). It is reported as pathogenic in ClinVar (Variation ID: 25423) and observed in the East Asian population at an overall frequency of 0.2% (43/18870 alleles) in the Genome Aggregation Database. The serine at codon 467 is highly conserved and computational algorithms (PolyPhen-2, SIFT) predict this variant to be deleterious. Additionally, functional analyses of the variant protein demonstrate a significant reduction in L-carnitine uptake (Koizumi 1999, Rose 2012). Based on available information, this variant is considered pathogenic. References: Koizumi A et al. Genetic epidemiology of the carnitine transporter OCTN2 gene in a Japanese population and phenotypic characterization in Japanese pedigrees with primary systemic carnitine deficiency. Hum Mol Genet. 1999 Nov;8(12):2247-54. Li F et al. Molecular spectrum of SLC22A5 (OCTN2) gene mutations detected in 143 subjects evaluated for systemic carnitine deficiency. Hum Mutat. 2010 Aug;31(8):E1632-51. Rose E et al. Genotype-phenotype correlation in primary carnitine deficiency. Hum Mutat. 2012 Jan;33(1):118-23. Yoon Y et al. SLC22A5 mutations in a patient with systemic primary carnitine deficiency: the first Korean case confirmed by biochemical and molecular investigation. Ann Clin Lab Sci. 2012 Fall;42(4):424-8.

Eurofins Ntd Llc (ga)
Classification: Pathogenic. Last evaluated: 2013-01-29. Review status: criteria provided, single submitter. Criteria: EGL Classification Definitions 2015. Collection method: clinical testing. Allele origin: germline. Observed: 4 variant alleles, 4 heterozygotes.

Juno Genomics, Hangzhou Juno Genomics, Inc
Classification: Pathogenic for Renal carnitine transport defect. Review status: criteria provided, single submitter. Criteria: ACMG Guidelines, 2015. Collection method: clinical testing. Allele origin: germline.
Comment: Multiple lines of computational evidence support a deleterious effect on the gene or gene product.;For recessive disorders, detected in trans with a pathogenic variant.;Patient's phenotype or family history is highly specific for a disease with a single genetic etiology.

Neonatal Disease Screening Center, Medical Genetics Center, Huaihua City Maternal and Child Health Care Hospital
Classification: Pathogenic for Renal carnitine transport defect. Review status: no assertion criteria provided. Criteria: ACMG Guidelines, 2015. Collection method: clinical testing. Allele origin: germline. Affected: yes. Observed: 2 variant alleles. Not counted in ClinVar's aggregate classification.
Comment: PS3+PM3_S+PP1_S+PP3+PP4

Literature cited by the submitters: PubMed 10545605 (cited by 5 submitters); PubMed 20074989 (cited by Labcorp Genetics (formerly Invitae), Labcorp and Myriad Genetics, Inc.); PubMed 20574985 (cited by Labcorp Genetics (formerly Invitae), Labcorp and Molecular Genetics, Royal Melbourne Hospital); PubMed 21922592 (cited by Labcorp Genetics (formerly Invitae), Labcorp and Molecular Genetics, Royal Melbourne Hospital); PubMed 23090741 (cited by 3 submitters); PubMed 12183691 (cited by 3 submitters); PubMed 28841266 (cited by 3 submitters); PubMed 41022664 (cited by Department of Genetics of Metabolic Diseases, Institute of Medical & Molecular Genetics, Hospital Universitario Hospital La Paz); PubMed 30904546 (cited by Myriad Genetics, Inc.); PubMed 38187300 (cited by Myriad Genetics, Inc.); PubMed 25846890 (cited by Molecular Genetics, Royal Melbourne Hospital); PubMed 37628339 (cited by Molecular Genetics, Royal Melbourne Hospital); PubMed 32371215 (cited by Women's Health and Genetics/Laboratory Corporation of America, LabCorp).